The following is an entry in ClinVar:

NM_015557.3(CHD5):c.4725C>T (p.Tyr1575=)

Gene: CHD5 (chromodomain helicase DNA binding protein 5; minus strand). Cytogenetic location: 1p36.31.
Variant type: single nucleotide variant.
Coding change: c.4725C>T on transcript NM_015557.3 (MANE Select); coding-DNA position 4725, C replaced by T.
Protein change: p.Tyr1575=; no amino-acid change (tyrosine 1575 retained).
Molecular consequence: synonymous variant.
Genome position (GRCh38, 1-based): chr1:6,121,548, G>A on the plus strand (C>T on the coding strand, the complement: CHD5 is on the minus strand). VCF-style: chr1-6121548-G-A. GRCh37 (hg19) VCF-style: chr1-6181608-G-A.
Identifiers: ClinVar variation 4984671 (VCV004984671.1).
Genomic context (GRCh38, chr1:6,121,548, plus strand): 5'-CCACACCTGGACTTCCAGGGGCTGCCTTGGCTTCTGTGCCCCGGGGTCTTTCTCATCCAT[G>A]TAGCCCAGCTGGGCTTCCATTTTGTCTGAAAGATCAAGGGAAAGAGCTGAGACAGGTGGG-3'
Protein context (NP_056372.1, residues 1565-1585): LPDKMEAQLG[Tyr1575=]MDEKDPGAQK

ClinVar aggregate classification (germline): Likely benign (1 of 4 stars; one submission).

Conditions:
CHD5-related disorder. Also called: CHD5-related condition.

gnomAD v4.1: 255 of 1,613,112 alleles (0.016%); highest among the groups gnomAD compares: African/African-American, 0.32%; 1 homozygote.

Submission:

PreventionGenetics, part of Exact Sciences
Classification: Likely benign for CHD5-related condition. Last evaluated: 2026-06-05. Review status: criteria provided, single submitter. Criteria: ACMG Guidelines, 2015. Collection method: clinical testing. Allele origin: germline.
Comment: This variant is classified as likely benign based on ACMG/AMP sequence variant interpretation guidelines (Richards et al. 2015 PMID: 25741868, with internal and published modifications).